The following is an entry in ClinVar:

ClinVar aggregate classification (germline): Pathogenic (1 of 4 stars; one submission).

Conditions:
MHC class I deficiency. Identifiers: Orphanet 34592, MedGen C6024714, MONDO:0011476.

Allele frequency attached by ClinVar (database versions not stated): gnomAD exomes below 0.00001; ExAC 0.00001.
gnomAD v4.1: 2 of 1,614,180 alleles (0.00012%); highest among the groups gnomAD compares: Admixed American, 0.0033%; no homozygotes.

Submission:

Labcorp Genetics (formerly Invitae), Labcorp
Classification: Pathogenic for MHC class I deficiency 1. Last evaluated: 2024-11-18. Review status: criteria provided, single submitter. Criteria: Invitae Variant Classification Sherloc (09022015). Collection method: clinical testing. Allele origin: germline.
Comment: This sequence change creates a premature translational stop signal (p.Gln613*) in the TAP2 gene. It is expected to result in an absent or disrupted protein product. Loss-of-function variants in TAP2 are known to be pathogenic (PMID: 7517574, 11529920, 12067308, 23662797). This variant is present in population databases (rs763365550, gnomAD 0.006%). This variant has not been reported in the literature in individuals affected with TAP2-related conditions. ClinVar contains an entry for this variant (Variation ID: 1928904). For these reasons, this variant has been classified as Pathogenic.

Literature cited by the submitters: PubMed 7517574; PubMed 11529920; PubMed 12067308; PubMed 23662797.

NM_001290043.2(TAP2):c.1837C>T (p.Gln613Ter)

Gene: TAP2 (transporter 2, ATP binding cassette subfamily B member; minus strand). Cytogenetic location: 6p21.32.
Variant type: single nucleotide variant.
Coding change: c.1837C>T on transcript NM_001290043.2 (MANE Select); coding-DNA position 1837, C replaced by T.
Protein change: p.Gln613Ter; replaces glutamine 613 with a stop codon.
Molecular consequence: nonsense.
Genome position (GRCh38, 1-based): chr6:32,829,495, G>A on the plus strand (C>T on the coding strand, the complement: TAP2 is on the minus strand). VCF-style: chr6-32829495-G-A. GRCh37 (hg19) VCF-style: chr6-32797272-G-A.
Other names: c.1837C>T, p.Gln613Ter (NM_000544.3, NM_018833.3); short protein forms Q613*.
Identifiers: ClinVar variation 1928904 (VCV001928904.5), dbSNP rs763365550, ClinGen allele CA3745784.